The following is an entry in ClinVar:

NM_000091.5(COL4A3):c.2620G>A (p.Gly874Arg)

Genes: COL4A3 (collagen type IV alpha 3 chain; plus strand), MFF-DT (MFF divergent transcript; minus strand). Cytogenetic location: 2q36.3.
Variant type: single nucleotide variant.
Coding change: c.2620G>A on transcript NM_000091.5 (MANE Select); coding-DNA position 2620, G replaced by A.
Protein change: p.Gly874Arg; replaces glycine 874 with arginine.
Molecular consequence: missense variant.
Genome position (GRCh38, 1-based): chr2:227,282,496, G>A. VCF-style: chr2-227282496-G-A. GRCh37 (hg19) VCF-style: chr2-228147212-G-A.
Other names: short protein forms G874R.
Identifiers: ClinVar variation 1052704 (VCV001052704.10), dbSNP rs2106164540, ClinGen allele CA350850679.
Genomic context (GRCh38, chr2:227,282,496, plus strand): 5'-GAAACTGGATCACCAGGAATTCCAGGTCATCAAGGTGAAATGGGACCACTGGGTCAAAGA[G>A]GATATCCAGGAAATCCGGGAATTTTAGGGCCACCAGGTATCCTTTTGTGTGTTTCTATTT-3'
Protein context (NP_000082.2, residues 864-884): QGEMGPLGQR[Gly874Arg]YPGNPGILGP

ClinVar aggregate classification (germline): Uncertain significance. Review status: criteria provided, multiple submitters, no conflicts (2 of 4 stars). 2 submissions from 2 submitters: Uncertain significance (2). Last evaluated 2024-12-23.

Submissions (2):

Labcorp Genetics (formerly Invitae), Labcorp
Classification: Uncertain significance. Last evaluated: 2024-12-23. Review status: criteria provided, single submitter. Criteria: Invitae Variant Classification Sherloc (09022015). Collection method: clinical testing. Allele origin: germline.
Comment: This sequence change replaces glycine, which is neutral and non-polar, with arginine, which is basic and polar, at codon 874 of the COL4A3 protein (p.Gly874Arg). This variant is not present in population databases (gnomAD no frequency). This missense change has been observed in individual(s) with hematuria (internal data). ClinVar contains an entry for this variant (Variation ID: 1052704). Invitae Evidence Modeling of protein sequence and biophysical properties (such as structural, functional, and spatial information, amino acid conservation, physicochemical variation, residue mobility, and thermodynamic stability) indicates that this missense variant is expected to disrupt COL4A3 protein function with a positive predictive value of 80%. In summary, the available evidence is currently insufficient to determine the role of this variant in disease. Therefore, it has been classified as a Variant of Uncertain Significance.

Blueprint Genetics
Classification: Uncertain significance. Last evaluated: 2022-09-02. Review status: criteria provided, single submitter. Criteria: ACMG Guidelines, 2015. Collection method: clinical testing. Allele origin: germline.